The following is an entry in ClinVar:

NM_001853.4(COL9A3):c.488G>A (p.Gly163Glu)

Gene: COL9A3 (collagen type IX alpha 3 chain; plus strand). Cytogenetic location: 20q13.33.
Variant type: single nucleotide variant.
Coding change: c.488G>A on transcript NM_001853.4 (MANE Select); coding-DNA position 488, G replaced by A.
Protein change: p.Gly163Glu; replaces glycine 163 with glutamic acid.
Molecular consequence: missense variant.
Genome position (GRCh38, 1-based): chr20:62,822,601, G>A. VCF-style: chr20-62822601-G-A. GRCh37 (hg19) VCF-style: chr20-61453953-G-A.
Other names: short protein forms G163E.
Identifiers: ClinVar variation 1912105 (VCV001912105.7), dbSNP rs1159923081, ClinGen allele CA409589603.

ClinVar aggregate classification (germline): Uncertain significance. Review status: criteria provided, multiple submitters, no conflicts (2 of 4 stars). 2 submissions from 2 submitters: Uncertain significance (2). Last evaluated 2025-10-09.

Conditions:
Inborn genetic diseases. Identifiers: MedGen C0950123, MeSH D030342.

Allele frequency attached by ClinVar (database versions not stated): gnomAD exomes below 0.00001; TOPMed 0.00001.

Submissions (2):

Labcorp Genetics (formerly Invitae), Labcorp
Classification: Uncertain significance. Last evaluated: 2025-10-09. Review status: criteria provided, single submitter. Criteria: Invitae Variant Classification Sherloc (09022015). Collection method: clinical testing. Allele origin: germline.
Comment: This sequence change replaces glycine, which is neutral and non-polar, with glutamic acid, which is acidic and polar, at codon 163 of the COL9A3 protein (p.Gly163Glu). This variant is present in population databases (no rsID available, gnomAD 0.003%). This variant has not been reported in the literature in individuals affected with COL9A3-related conditions. ClinVar contains an entry for this variant (Variation ID: 1912105). Invitae Evidence Modeling of protein sequence and biophysical properties (such as structural, functional, and spatial information, amino acid conservation, physicochemical variation, residue mobility, and thermodynamic stability) indicates that this missense variant is expected to disrupt COL9A3 protein function with a positive predictive value of 95%. In summary, the available evidence is currently insufficient to determine the role of this variant in disease. Therefore, it has been classified as a Variant of Uncertain Significance.

Ambry Genetics
Classification: Uncertain significance for Inborn genetic diseases. Last evaluated: 2024-12-23. Review status: criteria provided, single submitter. Criteria: Ambry Variant Classification Scheme 2023. Collection method: clinical testing. Allele origin: germline.